The following is an entry in ClinVar:

NM_020754.4(ARHGAP31):c.1853C>G (p.Ala618Gly)

Gene: ARHGAP31 (Rho GTPase activating protein 31; plus strand). Cytogenetic location: 3q13.33.
Variant type: single nucleotide variant.
Coding change: c.1853C>G on transcript NM_020754.4 (MANE Select); coding-DNA position 1853, C replaced by G.
Protein change: p.Ala618Gly; replaces alanine 618 with glycine.
Molecular consequence: missense variant.
Genome position (GRCh38, 1-based): chr3:119,409,703, C>G. VCF-style: chr3-119409703-C-G. GRCh37 (hg19) VCF-style: chr3-119128550-C-G.
Other names: short protein forms A618G.
Identifiers: ClinVar variation 3685427 (VCV003685427.2).

ClinVar aggregate classification (germline): Uncertain significance (1 of 4 stars; one submission).

gnomAD v4.1: 3 of 1,610,274 alleles (0.00019%); highest among the groups gnomAD compares: East Asian, 0.0045%; no homozygotes.

Submission:

Labcorp Genetics (formerly Invitae), Labcorp
Classification: Uncertain significance. Last evaluated: 2024-08-08. Review status: criteria provided, single submitter. Criteria: Invitae Variant Classification Sherloc (09022015). Collection method: clinical testing. Allele origin: germline.
Comment: This sequence change replaces alanine, which is neutral and non-polar, with glycine, which is neutral and non-polar, at codon 618 of the ARHGAP31 protein (p.Ala618Gly). This variant is not present in population databases (gnomAD no frequency). This variant has not been reported in the literature in individuals affected with ARHGAP31-related conditions. An algorithm developed to predict the effect of missense changes on protein structure and function (PolyPhen-2) suggests that this variant is likely to be tolerated. In summary, the available evidence is currently insufficient to determine the role of this variant in disease. Therefore, it has been classified as a Variant of Uncertain Significance.